The following is an entry in ClinVar:

ClinVar aggregate classification (germline): Uncertain significance (1 of 4 stars; one submission).

Conditions:
Marfan syndrome (MFS). Also called: Marfan syndrome, classic; Marfan syndrome type 1; Marfan's syndrome; MARFAN SYNDROME, TYPE I; FBN1-Related Marfan Syndrome. Identifiers: Orphanet 284963, Orphanet 558, MedGen C0024796, MONDO:0007947, OMIM 154700.
Familial thoracic aortic aneurysm and aortic dissection (TAAD). Also called: Thoracic aortic aneurysms and dissections. Identifiers: Orphanet 91387, MedGen C4707243, MONDO:0019625.

Allele frequency attached by ClinVar (database versions not stated): TOPMed below 0.00001.
gnomAD v4.1: 1 of 1,612,192 alleles (0.000062%); no homozygotes.

Submission:

Labcorp Genetics (formerly Invitae), Labcorp
Classification: Uncertain significance for Marfan syndrome; Familial thoracic aortic aneurysm and aortic dissection. Last evaluated: 2016-09-26. Review status: criteria provided, single submitter. Criteria: Invitae Variant Classification Sherloc (09022015). Collection method: clinical testing. Allele origin: germline.
Comment: In summary, this variant is a novel missense change with uncertain impact on protein function. It has been classified as a Variant of Uncertain Significance. Algorithms developed to predict the effect of missense changes on protein structure and function do not agree on the potential impact of this missense change (SIFT: "Deleterious"; PolyPhen-2: "Benign"; Align-GVGD: "Class C0"). This variant is not present in population databases (ExAC no frequency) and has not been reported in the literature in individuals with a FBN1-related disease. This sequence change replaces valine with alanine at codon 2412 of the FBN1 protein (p.Val2412Ala). The valine residue is moderately conserved and there is a small physicochemical difference between valine and alanine.

NM_000138.5(FBN1):c.7235T>C (p.Val2412Ala)

Gene: FBN1 (fibrillin 1; minus strand). Cytogenetic location: 15q21.1.
Variant type: single nucleotide variant.
Coding change: c.7235T>C on transcript NM_000138.5 (MANE Select); coding-DNA position 7235, T replaced by C.
Protein change: p.Val2412Ala; replaces valine 2412 with alanine.
Molecular consequence: missense variant.
Genome position (GRCh38, 1-based): chr15:48,425,834, A>G on the plus strand (T>C on the coding strand, the complement: FBN1 is on the minus strand). VCF-style: chr15-48425834-A-G. GRCh37 (hg19) VCF-style: chr15-48718031-A-G.
Other names: short protein forms V2412A.
Identifiers: ClinVar variation 406326 (VCV000406326.9), dbSNP rs1060501061, ClinGen allele CA16614396.